The following is an entry in ClinVar:

ClinVar aggregate classification (germline): Uncertain significance (1 of 4 stars; one submission).

Allele frequency attached by ClinVar (database versions not stated): gnomAD exomes below 0.00001.
gnomAD v4.1: 4 of 1,613,620 alleles (0.00025%); highest among the groups gnomAD compares: Non-Finnish European, 0.00034%; no homozygotes.

Submission:

Labcorp Genetics (formerly Invitae), Labcorp
Classification: Uncertain significance. Last evaluated: 2022-06-04. Review status: criteria provided, single submitter. Criteria: Invitae Variant Classification Sherloc (09022015). Collection method: clinical testing. Allele origin: germline.
Comment: This sequence change replaces aspartic acid, which is acidic and polar, with glutamic acid, which is acidic and polar, at codon 580 of the CEP152 protein (p.Asp580Glu). This variant is not present in population databases (gnomAD no frequency). This variant has not been reported in the literature in individuals affected with CEP152-related conditions. Algorithms developed to predict the effect of missense changes on protein structure and function (SIFT, PolyPhen-2, Align-GVGD) all suggest that this variant is likely to be tolerated. In summary, the available evidence is currently insufficient to determine the role of this variant in disease. Therefore, it has been classified as a Variant of Uncertain Significance.

NM_001194998.2(CEP152):c.1740T>G (p.Asp580Glu)

Gene: CEP152 (centrosomal protein 152; minus strand). Cytogenetic location: 15q21.1.
Variant type: single nucleotide variant.
Coding change: c.1740T>G on transcript NM_001194998.2 (MANE Select); coding-DNA position 1740, T replaced by G.
Protein change: p.Asp580Glu; replaces aspartic acid 580 with glutamic acid.
Molecular consequence: missense variant.
Genome position (GRCh38, 1-based): chr15:48,772,529, A>C on the plus strand (T>G on the coding strand, the complement: CEP152 is on the minus strand). VCF-style: chr15-48772529-A-C. GRCh37 (hg19) VCF-style: chr15-49064726-A-C.
Other names: c.1740T>G, p.Asp580Glu (NM_014985.4); short protein forms D580E.
Identifiers: ClinVar variation 2018880 (VCV002018880.1), dbSNP rs2504742726, ClinGen allele CA392351425.